The following is an entry in ClinVar:

ClinVar aggregate classification (germline): Uncertain significance. Review status: criteria provided, multiple submitters, no conflicts (2 of 4 stars). 2 submissions from 2 submitters: Uncertain significance (2). Last evaluated 2022-08-25.

Conditions:
Benign neonatal seizures. Also called: Benign neonatal familial convulsions; Benign familial neonatal epilepsy; Convulsions benign familial neonatal dominant form; Autosomal dominant form of benign neonatal seizures; Benign familial neonatal seizures. Identifiers: Orphanet 1949, MedGen C0220669, MONDO:0016027.

Submissions (2):

Women's Health and Genetics/Laboratory Corporation of America, LabCorp
Classification: Uncertain significance. Last evaluated: 2022-08-25. Review status: criteria provided, single submitter. Criteria: LabCorp Variant Classification Summary - May 2015. Collection method: clinical testing. Allele origin: germline.
Comment: Variant summary: KCNQ3 c.1624G>A (p.Asp542Asn) results in a conservative amino acid change located in the Potassium channel, voltage dependent, C-terminal domain (IPR013821) of the encoded protein sequence. Four of five in-silico tools predict a damaging effect of the variant on protein function. The variant was absent in 251142 control chromosomes (gnomAD). The available data on variant occurrences in the general population are insufficient to allow any conclusion about variant significance. c.1624G>A has been reported in the literature in one compound heterozygous individual affected with Early onset Encephalopathy and two unaffected heterozygous family members for a disease typically inherited in an autosomal dominant fashion (Ambrosino_2018). These data do not allow any conclusion about variant significance. Ambrosino_2018 assayed both variants identified in the compound heterozygous patient by transfecting CHO cells and examining functionality via patch-clamp recording: the variant did not impact potassium channel functionality when expressed with wildtype Kv7.2 and Kv7.3 subunits (simulated heterozygous), but produced completely non-functional channels when expressed in isolation (simulated homozygous) or with the second missense variant identified in the proband (simulated compound heterozygous). However, the implications of these findings on the exact mechanism and pathophysiology of disease in-vivo remains unclear. One ClinVar submitter has assessed the variant since 2014 without evidence for independent evaluation: the variant was classified as uncertain significance. Based on the evidence outlined above, the variant was classified as uncertain significance.

Labcorp Genetics (formerly Invitae), Labcorp
Classification: Uncertain significance for Benign neonatal seizures. Last evaluated: 2021-03-20. Review status: criteria provided, single submitter. Criteria: Invitae Variant Classification Sherloc (09022015). Collection method: clinical testing. Allele origin: germline.
Comment: In summary, the available evidence is currently insufficient to determine the role of this variant in disease. Therefore, it has been classified as a Variant of Uncertain Significance. Algorithms developed to predict the effect of missense changes on protein structure and function are either unavailable or do not agree on the potential impact of this missense change (SIFT: "Deleterious"; PolyPhen-2: "Probably Damaging"; Align-GVGD: "Class C15"). This variant has been observed in combination with another KCNQ3 variant in an individual affected with early onset epileptic encephalopathy (PMID: 29383681). This variant is not present in population databases (ExAC no frequency). This sequence change replaces aspartic acid with asparagine at codon 542 of the KCNQ3 protein (p.Asp542Asn). The aspartic acid residue is highly conserved and there is a small physicochemical difference between aspartic acid and asparagine.

Literature cited by the submitters: PubMed 29383681 (cited by Women's Health and Genetics/Laboratory Corporation of America, LabCorp and Labcorp Genetics (formerly Invitae), Labcorp).

NM_004519.4(KCNQ3):c.1624G>A (p.Asp542Asn)

Gene: KCNQ3 (potassium voltage-gated channel subfamily Q member 3; minus strand). Cytogenetic location: 8q24.22.
Variant type: single nucleotide variant.
Coding change: c.1624G>A on transcript NM_004519.4 (MANE Select); coding-DNA position 1624, G replaced by A.
Protein change: p.Asp542Asn; replaces aspartic acid 542 with asparagine.
Molecular consequence: missense variant.
Genome position (GRCh38, 1-based): chr8:132,137,961, C>T on the plus strand (G>A on the coding strand, the complement: KCNQ3 is on the minus strand). VCF-style: chr8-132137961-C-T. GRCh37 (hg19) VCF-style: chr8-133150208-C-T.
Other names: c.1264G>A, p.Asp422Asn (NM_001204824.2); short protein forms D422N, D542N.
Identifiers: ClinVar variation 940181 (VCV000940181.10), dbSNP rs1005759975, ClinGen allele CA185432146.